The following is an entry in ClinVar:

ClinVar aggregate classification (germline): Uncertain significance. Review status: criteria provided, multiple submitters, no conflicts (2 of 4 stars). 2 submissions from 2 submitters: Uncertain significance (2). Last evaluated 2026-02-03.

Conditions:
Brugada syndrome. Also called: Sudden unexpected nocturnal death syndrome; Sudden unexplained nocturnal death syndrome; Sudden Unexplained Death Syndrome; Sudden Unexplained Nocturnal Death Syndrome (SUNDS). Identifiers: Orphanet 130, MedGen C1142166, MONDO:0015263.

Submissions (2):

GeneDx
Classification: Uncertain significance. Last evaluated: 2026-02-03. Review status: criteria provided, single submitter. Criteria: GeneDx Variant Classification Process June 2021. Collection method: clinical testing. Allele origin: germline.
Comment: Not observed at significant frequency in large population cohorts (gnomAD); In silico analysis suggests that this missense variant does not alter protein structure/function; Has not been previously published as pathogenic or benign to our knowledge

Labcorp Genetics (formerly Invitae), Labcorp
Classification: Uncertain significance for Brugada syndrome. Last evaluated: 2022-09-23. Review status: criteria provided, single submitter. Criteria: Invitae Variant Classification Sherloc (09022015). Collection method: clinical testing. Allele origin: germline.
Comment: This variant is not present in population databases (gnomAD no frequency). This sequence change replaces aspartic acid, which is acidic and polar, with glutamic acid, which is acidic and polar, at codon 1067 of the SCN10A protein (p.Asp1067Glu). This variant has not been reported in the literature in individuals affected with SCN10A-related conditions. Advanced modeling of protein sequence and biophysical properties (such as structural, functional, and spatial information, amino acid conservation, physicochemical variation, residue mobility, and thermodynamic stability) performed at Invitae indicates that this missense variant is not expected to disrupt SCN10A protein function. In summary, the available evidence is currently insufficient to determine the role of this variant in disease. Therefore, it has been classified as a Variant of Uncertain Significance.

NM_006514.4(SCN10A):c.3201T>A (p.Asp1067Glu)

Genes: SCN10A (sodium voltage-gated channel alpha subunit 10; minus strand), LOC110121288 (VISTA enhancer hs2268; plus strand). Cytogenetic location: 3p22.2.
Variant type: single nucleotide variant.
Coding change: c.3201T>A on transcript NM_006514.4 (MANE Select); coding-DNA position 3201, T replaced by A.
Protein change: p.Asp1067Glu; replaces aspartic acid 1067 with glutamic acid.
Molecular consequence: missense variant.
Genome position (GRCh38, 1-based): chr3:38,725,201, A>T on the plus strand (T>A on the coding strand, the complement: SCN10A is on the minus strand). VCF-style: chr3-38725201-A-T. GRCh37 (hg19) VCF-style: chr3-38766692-A-T.
Other names: c.3201T>A (NM_006514.2); c.3198T>A, p.Asp1066Glu (NM_001293306.2); c.2907T>A, p.Asp969Glu (NM_001293307.2); short protein forms D1067E, D1066E, D969E.
Identifiers: ClinVar variation 1932334 (VCV001932334.6), dbSNP rs2470662997, ClinGen allele CA352156630.
Genomic context (GRCh38, chr3:38,725,201, plus strand): 5'-TGTCCAACCTCTCCAGGAAGCTGACATACCTACCTCAGCAGGGACCTGAGGAACAGACTC[A>T]TCTTTCCACGTCTCACCCAGGGATGGAGCCAGGTCCTCAGAAGATGTTCCAGTGCCTGGG-3'
Protein context (NP_006505.4, residues 1057-1077): LAPSLGETWK[Asp1067Glu]ESVPQVPAEG